The following is an entry in ClinVar:

ClinVar aggregate classification (germline): Uncertain significance. Review status: criteria provided, multiple submitters, no conflicts (2 of 4 stars). 10 submissions from 10 submitters: Uncertain significance (10). Last evaluated 2026-09-18.

Conditions:
Endometrial carcinoma. Also called: Endometrial carcinoma, somatic. Identifiers: MedGen C0476089, MONDO:0002447, OMIM 608089, HP:0012114.
Familial adenomatous polyposis 4 (FAP4). Also called: MSH3-related attenuated familial adenomatous polyposis. Identifiers: Orphanet 480536, MedGen C4310719, MONDO:0044300, OMIM 617100.
Hereditary cancer-predisposing syndrome. Also called: Neoplastic Syndromes, Hereditary; Tumor predisposition; Hereditary neoplastic syndrome; Hereditary Cancer Syndrome. Identifiers: Orphanet 140162, MedGen C0027672, MeSH D009386, MONDO:0015356.
MSH3-related disorder. Also called: MSH3-related condition.

Allele frequency attached by ClinVar (database versions not stated): TOPMed 0.00003.
gnomAD v4.1: 36 of 1,613,852 alleles (0.0022%); highest among the groups gnomAD compares: African/African-American, 0.0053%; no homozygotes.

Submissions (10):

PreventionGenetics, part of Exact Sciences
Classification: Uncertain significance for MSH3-related condition. Last evaluated: 2026-09-18. Review status: criteria provided, single submitter. Criteria: ACMG Guidelines, 2015. Collection method: clinical testing. Allele origin: germline.
Comment: The MSH3 c.2686G>A variant is predicted to result in the amino acid substitution p.Gly896Arg. To our knowledge, this variant has not been reported in the literature. This variant is reported in 0.0062% of alleles in individuals of African descent in gnomAD. This variant is interpreted as uncertain in ClinVar (Variation ID: 648549). At this time, the clinical significance of this variant is uncertain due to the absence of conclusive functional and genetic evidence.

Labcorp Genetics (formerly Invitae), Labcorp
Classification: Uncertain significance. Last evaluated: 2026-01-15. Review status: criteria provided, single submitter. Criteria: Invitae Variant Classification Sherloc (09022015). Collection method: clinical testing. Allele origin: germline.
Comment: This sequence change replaces glycine, which is neutral and non-polar, with arginine, which is basic and polar, at codon 896 of the MSH3 protein (p.Gly896Arg). This variant is present in population databases (rs777054839, gnomAD 0.007%). This variant has not been reported in the literature in individuals affected with MSH3-related conditions. ClinVar contains an entry for this variant (Variation ID: 648549). An algorithm developed to predict the effect of missense changes on protein structure and function (PolyPhen-2) suggests that this variant is likely to be disruptive. In summary, the available evidence is currently insufficient to determine the role of this variant in disease. Therefore, it has been classified as a Variant of Uncertain Significance.

Quest Diagnostics Nichols Institute San Juan Capistrano
Classification: Uncertain significance. Last evaluated: 2025-08-19. Review status: criteria provided, single submitter. Criteria: Quest Diagnostics criteria. Collection method: clinical testing. Allele origin: unknown.
Comment: The MSH3 c.2686G>A (p.Gly896Arg) variant has not been reported in individuals with MSH3-related conditions in the published literature. The frequency of this variant in the general population (Genome Aggregation Database) is uninformative in the assessment of its pathogenicity. Analysis of this variant using bioinformatics tools for the prediction of the effect of amino acid changes on protein structure and function yielded predictions that this variant is damaging. Based on the available information, we are unable to determine the clinical significance of this variant.

Center for Genomic Medicine, Rigshospitalet, Copenhagen University Hospital
Classification: Uncertain significance. Last evaluated: 2025-03-04. Review status: criteria provided, single submitter. Criteria: ACMG Guidelines, 2015. Collection method: clinical testing. Allele origin: germline.

Blueprint Genetics
Classification: Uncertain significance. Last evaluated: 2024-07-16. Review status: criteria provided, single submitter. Criteria: ACMG Guidelines, 2015. Collection method: clinical testing. Allele origin: germline.

Ambry Genetics
Classification: Uncertain significance for Hereditary cancer-predisposing syndrome. Last evaluated: 2024-06-06. Review status: criteria provided, single submitter. Criteria: Ambry Variant Classification Scheme 2023. Collection method: clinical testing. Allele origin: germline.
Comment: The p.G896R variant (also known as c.2686G>A), located in coding exon 20 of the MSH3 gene, results from a G to A substitution at nucleotide position 2686. The glycine at codon 896 is replaced by arginine, an amino acid with dissimilar properties. This amino acid position is highly conserved in available vertebrate species. In addition, this alteration is predicted to be deleterious by in silico analysis. Based on the available evidence, the clinical significance of this variant remains unclear.

Baylor Genetics
Classification: Uncertain significance for Endometrial carcinoma. Last evaluated: 2024-03-24. Review status: criteria provided, single submitter. Criteria: ACMG Guidelines, 2015. Collection method: clinical testing. Allele origin: unknown.

GeneDx
Classification: Uncertain significance. Last evaluated: 2023-12-05. Review status: criteria provided, single submitter. Criteria: GeneDx Variant Classification Process June 2021. Collection method: clinical testing. Allele origin: germline. Affected: yes.
Comment: Not observed at significant frequency in large population cohorts (gnomAD); In silico analysis supports that this missense variant has a deleterious effect on protein structure/function; Has not been previously published as pathogenic or benign to our knowledge

St. Jude Molecular Pathology, St. Jude Children's Research Hospital
Classification: Uncertain significance for Familial adenomatous polyposis 4. Last evaluated: 2023-09-08. Review status: criteria provided, single submitter. Criteria: St. Jude Assertion Criteria 2020. Collection method: clinical testing. Allele origin: germline.
Comment: The MSH3 c.2686G>A (p.Gly896Arg) missense change has a maximum subpopulation frequency of 0.006% in gnomAD v2.1.1. The in silico tool REVEL predicts a deleterious effect on protein function, but to our knowledge this prediction has not been confirmed by functional studies. To our knowledge, this variant has not been reported in individuals with MSH3-associated familial adenomatous polyposis. In summary, the evidence currently available is insufficient to determine the clinical significance of this variant. It has therefore been classified as of uncertain significance.

Department of Pathology and Laboratory Medicine, Sinai Health System
Classification: Uncertain significance for Endometrial carcinoma; Familial adenomatous polyposis 4. Last evaluated: 2022-11-11. Review status: criteria provided, single submitter. Criteria: ACMG Guidelines, 2015. Collection method: clinical testing. Allele origin: germline. Affected: yes.

NM_002439.5(MSH3):c.2686G>A (p.Gly896Arg)

Gene: MSH3 (mutS homolog 3; plus strand). Cytogenetic location: 5q14.1.
Variant type: single nucleotide variant.
Coding change: c.2686G>A on transcript NM_002439.5 (MANE Select); coding-DNA position 2686, G replaced by A.
Protein change: p.Gly896Arg; replaces glycine 896 with arginine.
Molecular consequence: missense variant.
Genome position (GRCh38, 1-based): chr5:80,813,614, G>A. VCF-style: chr5-80813614-G-A. GRCh37 (hg19) VCF-style: chr5-80109433-G-A.
Other names: short protein forms G896R.
Identifiers: ClinVar variation 648549 (VCV000648549.21), dbSNP rs777054839, ClinGen allele CA3328329.